The following is an entry in ClinVar:

NM_000256.3(MYBPC3):c.3767C>T (p.Thr1256Ile)

Gene: MYBPC3 (myosin binding protein C3; minus strand). Cytogenetic location: 11p11.2.
Variant type: single nucleotide variant.
Coding change: c.3767C>T on transcript NM_000256.3 (MANE Select); coding-DNA position 3767, C replaced by T.
Protein change: p.Thr1256Ile; replaces threonine 1256 with isoleucine.
Molecular consequence: missense variant.
Genome position (GRCh38, 1-based): chr11:47,332,119, G>A on the plus strand (C>T on the coding strand, the complement: MYBPC3 is on the minus strand). VCF-style: chr11-47332119-G-A. GRCh37 (hg19) VCF-style: chr11-47353670-G-A.
Other names: short protein forms T1256I.
Identifiers: ClinVar variation 1435247 (VCV001435247.8), dbSNP rs775370325, ClinGen allele CA055192.

ClinVar aggregate classification (germline): Uncertain significance (1 of 4 stars; one submission).

Conditions:
Hypertrophic cardiomyopathy. Also called: HYPERTROPHIC MYOCARDIOPATHY. Identifiers: Orphanet 217569, MedGen C0007194, MeSH D002312, MONDO:0005045, HP:0001639.

Allele frequency attached by ClinVar (database versions not stated): gnomAD exomes below 0.00001; ExAC 0.00001.
gnomAD v4.1: 3 of 1,613,546 alleles (0.00019%); highest among the groups gnomAD compares: Middle Eastern, 0.017%; no homozygotes.

Submission:

Labcorp Genetics (formerly Invitae), Labcorp
Classification: Uncertain significance for Hypertrophic cardiomyopathy. Last evaluated: 2024-03-19. Review status: criteria provided, single submitter. Criteria: Invitae Variant Classification Sherloc (09022015). Collection method: clinical testing. Allele origin: germline.
Comment: This sequence change replaces threonine, which is neutral and polar, with isoleucine, which is neutral and non-polar, at codon 1256 of the MYBPC3 protein (p.Thr1256Ile). This variant is present in population databases (rs775370325, gnomAD 0.0009%). This variant has not been reported in the literature in individuals affected with MYBPC3-related conditions. ClinVar contains an entry for this variant (Variation ID: 1435247). Algorithms developed to predict the effect of missense changes on protein structure and function output the following: SIFT: "Not Available"; PolyPhen-2: "Benign"; Align-GVGD: "Not Available". The isoleucine amino acid residue is found in multiple mammalian species, which suggests that this missense change does not adversely affect protein function. In summary, the available evidence is currently insufficient to determine the role of this variant in disease. Therefore, it has been classified as a Variant of Uncertain Significance.